The following is an entry in ClinVar:

NM_001384732.1(CPLANE1):c.8462-196C>T

Gene: CPLANE1 (ciliogenesis and planar polarity effector complex subunit 1; minus strand). Cytogenetic location: 5p13.2.
Variant type: single nucleotide variant.
Coding change: c.8462-196C>T on transcript NM_001384732.1 (MANE Select); 196 bases into the intron before coding-DNA position 8462, C replaced by T.
Molecular consequence: intron variant.
Genome position (GRCh38, 1-based): chr5:37,142,676, G>A on the plus strand (C>T on the coding strand, the complement: CPLANE1 is on the minus strand). VCF-style: chr5-37142676-G-A. GRCh37 (hg19) VCF-style: chr5-37142778-G-A.
Other names: c.8300-196C>T (NM_023073.4).
Identifiers: ClinVar variation 680162 (VCV000680162.2), dbSNP rs10069109, ClinGen allele CA16225181.

ClinVar aggregate classification (germline): Benign. Review status: criteria provided, multiple submitters, no conflicts (2 of 4 stars). 2 submissions from 2 submitters: Benign (2). Last evaluated 2018-06-19.

Allele frequency attached by ClinVar (database versions not stated): gnomAD exomes 0.11041; 1000 Genomes Project 0.16593; 1000 Genomes Project 30x 0.16771; gnomAD 0.16858 and 0.17333; TOPMed 0.17402.
gnomAD v4.1: 51,915 of 388,840 alleles (13%); highest among the groups gnomAD compares: African/African-American, 31%; 4,512 homozygotes.

Submissions (2):

GeneDx
Classification: Benign. Last evaluated: 2018-06-19. Review status: criteria provided, single submitter. Criteria: GeneDx Variant Classification (06012015). Collection method: clinical testing. Allele origin: germline. Affected: yes.
Comment: This variant is considered likely benign or benign based on one or more of the following criteria: it is a conservative change, it occurs at a poorly conserved position in the protein, it is predicted to be benign by multiple in silico algorithms, and/or has population frequency not consistent with disease.

Breakthrough Genomics
Classification: Benign. Review status: criteria provided, single submitter. Criteria: ACMG Guidelines, 2015. Collection method: not provided. Allele origin: germline. Inheritance: Autosomal recessive inheritance. Affected: yes.